The following is an entry in ClinVar:

ClinVar aggregate classification (germline): Uncertain significance (1 of 4 stars; one submission).

Allele frequency attached by ClinVar (database versions not stated): TOPMed 0.00002; gnomAD 0.00003 and 0.00004; gnomAD exomes 0.00003 and 0.00008; ExAC 0.00007; ESP Exome Variant Server 0.00008.
gnomAD v4.1: 59 of 1,613,972 alleles (0.0037%); highest among the groups gnomAD compares: East Asian, 0.025%; no homozygotes.

Submission:

Labcorp Genetics (formerly Invitae), Labcorp
Classification: Uncertain significance. Last evaluated: 2022-10-05. Review status: criteria provided, single submitter. Criteria: Invitae Variant Classification Sherloc (09022015). Collection method: clinical testing. Allele origin: germline.
Comment: This sequence change replaces arginine, which is basic and polar, with cysteine, which is neutral and slightly polar, at codon 78 of the CLP1 protein (p.Arg78Cys). This variant is present in population databases (rs374658636, gnomAD 0.08%), and has an allele count higher than expected for a pathogenic variant. In summary, the available evidence is currently insufficient to determine the role of this variant in disease. Therefore, it has been classified as a Variant of Uncertain Significance. Advanced modeling of protein sequence and biophysical properties (such as structural, functional, and spatial information, amino acid conservation, physicochemical variation, residue mobility, and thermodynamic stability) performed at Invitae indicates that this missense variant is not expected to disrupt CLP1 protein function. ClinVar contains an entry for this variant (Variation ID: 1446127). This variant has not been reported in the literature in individuals affected with CLP1-related conditions.

NM_006831.3(CLP1):c.232C>T (p.Arg78Cys)

Gene: CLP1 (cleavage factor polyribonucleotide kinase subunit 1; plus strand). Cytogenetic location: 11q12.1.
Variant type: single nucleotide variant.
Coding change: c.232C>T on transcript NM_006831.3 (MANE Select); coding-DNA position 232, C replaced by T.
Protein change: p.Arg78Cys; replaces arginine 78 with cysteine.
Molecular consequence: missense variant.
Genome position (GRCh38, 1-based): chr11:57,659,708, C>T. VCF-style: chr11-57659708-C-T. GRCh37 (hg19) VCF-style: chr11-57427180-C-T.
Other names: c.232C>T, p.Arg78Cys (NM_001142597.2); short protein forms R78C.
Identifiers: ClinVar variation 1446127 (VCV001446127.7), dbSNP rs374658636, ClinGen allele CA6008488.
Genomic context (GRCh38, chr11:57,659,708, plus strand): 5'-GATGCTGGTGCCAAGGTGGCTGTTTTCACTTGGCATGGCTGTTCTGTGCAACTGAGCGGC[C>T]GCACTGAGGTGGCTTATGTCTCCAAGGACACTCCTATGTTGCTTTACCTCAACACTCACA-3'
Protein context (NP_006822.1, residues 68-88): WHGCSVQLSG[Arg78Cys]TEVAYVSKDT